The following is an entry in ClinVar:

ClinVar aggregate classification (germline): Uncertain significance (1 of 4 stars; one submission).

Allele frequency attached by ClinVar (database versions not stated): ExAC 0.00001; gnomAD 0.00001; gnomAD exomes 0.00001; TOPMed 0.00003; 1000 Genomes Project 30x 0.00016; 1000 Genomes Project 0.00020.
gnomAD v4.1: 20 of 1,612,602 alleles (0.0012%); highest among the groups gnomAD compares: Middle Eastern, 0.05%; no homozygotes.

Submission:

Labcorp Genetics (formerly Invitae), Labcorp
Classification: Uncertain significance. Last evaluated: 2022-04-07. Review status: criteria provided, single submitter. Criteria: Invitae Variant Classification Sherloc (09022015). Collection method: clinical testing. Allele origin: germline.
Comment: In summary, the available evidence is currently insufficient to determine the role of this variant in disease. Therefore, it has been classified as a Variant of Uncertain Significance. Algorithms developed to predict the effect of missense changes on protein structure and function (SIFT, PolyPhen-2, Align-GVGD) all suggest that this variant is likely to be tolerated. This variant has not been reported in the literature in individuals affected with FAT1-related conditions. This variant is present in population databases (rs201461706, gnomAD 0.003%). This sequence change replaces proline, which is neutral and non-polar, with alanine, which is neutral and non-polar, at codon 1224 of the FAT1 protein (p.Pro1224Ala).

NM_005245.4(FAT1):c.3670C>G (p.Pro1224Ala)

Gene: FAT1 (FAT atypical cadherin 1; minus strand). Cytogenetic location: 4q35.2.
Variant type: single nucleotide variant.
Coding change: c.3670C>G on transcript NM_005245.4 (MANE Select); coding-DNA position 3670, C replaced by G.
Protein change: p.Pro1224Ala; replaces proline 1224 with alanine.
Molecular consequence: missense variant.
Genome position (GRCh38, 1-based): chr4:186,636,887, G>C on the plus strand (C>G on the coding strand, the complement: FAT1 is on the minus strand). VCF-style: chr4-186636887-G-C. GRCh37 (hg19) VCF-style: chr4-187558041-G-C.
Other names: short protein forms P1224A.
Identifiers: ClinVar variation 2160041 (VCV002160041.4), dbSNP rs201461706, ClinGen allele CA3166929.